The following is an entry in ClinVar:

ClinVar aggregate classification (germline): Uncertain significance (1 of 4 stars; one submission).

gnomAD v4.1: 21 of 1,605,226 alleles (0.0013%); highest among the groups gnomAD compares: South Asian, 0.019%; no homozygotes.

Submission:

Labcorp Genetics (formerly Invitae), Labcorp
Classification: Uncertain significance. Last evaluated: 2025-10-14. Review status: criteria provided, single submitter. Criteria: Invitae Variant Classification Sherloc (09022015). Collection method: clinical testing. Allele origin: germline.
Comment: This sequence change replaces arginine, which is basic and polar, with proline, which is neutral and non-polar, at codon 64 of the EDNRB protein (p.Arg64Pro). This variant is present in population databases (rs201002254, gnomAD 0.01%). This variant has not been reported in the literature in individuals affected with EDNRB-related conditions. ClinVar contains an entry for this variant (Variation ID: 3685214). An algorithm developed to predict the effect of missense changes on protein structure and function (PolyPhen-2) suggests that this variant is likely to be tolerated. In summary, the available evidence is currently insufficient to determine the role of this variant in disease. Therefore, it has been classified as a Variant of Uncertain Significance.

NM_001122659.3(EDNRB):c.191G>C (p.Arg64Pro)

Gene: EDNRB (endothelin receptor type B; minus strand). Cytogenetic location: 13q22.3.
Variant type: single nucleotide variant.
Coding change: c.191G>C on transcript NM_001122659.3 (MANE Select); coding-DNA position 191, G replaced by C.
Protein change: p.Arg64Pro; replaces arginine 64 with proline.
Molecular consequence: missense variant.
Genome position (GRCh38, 1-based): chr13:77,918,383, C>G on the plus strand (G>C on the coding strand, the complement: EDNRB is on the minus strand). VCF-style: chr13-77918383-C-G. GRCh37 (hg19) VCF-style: chr13-78492518-C-G.
Other names: c.191G>C, p.Arg64Pro (NM_000115.5, NM_003991.4); c.461G>C, p.Arg154Pro (NM_001201397.2); short protein forms R154P, R64P.
Identifiers: ClinVar variation 3685214 (VCV003685214.2).